The following is an entry in ClinVar:

NM_000455.5(STK11):c.332_333insG (p.Ile111fs)

Gene: STK11 (serine/threonine kinase 11; plus strand). Cytogenetic location: 19p13.3.
Variant type: Insertion.
Coding change: c.332_333insG on transcript NM_000455.5 (MANE Select); coding-DNA positions 332 to 333, G inserted.
Protein change: p.Ile111fs; shifts the reading frame from isoleucine 111.
Molecular consequence: frameshift variant.
Genome position: GRCh38 VCF-style: chr19-1218458-T-TG. GRCh37 (hg19) VCF-style: chr19-1218457-T-TG.
Other names: short protein forms I111fs.
Identifiers: ClinVar variation 1073934 (VCV001073934.7), dbSNP rs2145420699, ClinGen allele CA2499225340.

ClinVar aggregate classification (germline): Pathogenic (1 of 4 stars; one submission).

Conditions:
Peutz-Jeghers syndrome (PJS). Also called: POLYPOSIS, HAMARTOMATOUS INTESTINAL; POLYPS-AND-SPOTS SYNDROME; Peutz-Jeghers polyposis; Periorificial lentiginosis syndrome. Identifiers: Orphanet 2869, MedGen C0031269, MeSH D010580, MONDO:0008280, OMIM 175200.

Submission:

Labcorp Genetics (formerly Invitae), Labcorp
Classification: Pathogenic for Peutz-Jeghers syndrome. Last evaluated: 2020-08-11. Review status: criteria provided, single submitter. Criteria: Invitae Variant Classification Sherloc (09022015). Collection method: clinical testing. Allele origin: germline.
Comment: For these reasons, this variant has been classified as Pathogenic. Loss-of-function variants in STK11 are known to be pathogenic (PMID: 15188174, 16287113). This variant has not been reported in the literature in individuals with STK11-related conditions. This variant is not present in population databases (ExAC no frequency). This sequence change creates a premature translational stop signal (p.Ile111Metfs*52) in the STK11 gene. It is expected to result in an absent or disrupted protein product.

Literature cited by the submitters: PubMed 15188174; PubMed 16287113.